The following is an entry in ClinVar:

ClinVar aggregate classification (germline): Uncertain significance (1 of 4 stars; one submission).

Submission:

Labcorp Genetics (formerly Invitae), Labcorp
Classification: Uncertain significance. Last evaluated: 2024-04-15. Review status: criteria provided, single submitter. Criteria: Invitae Variant Classification Sherloc (09022015). Collection method: clinical testing. Allele origin: germline.
Comment: This sequence change replaces valine, which is neutral and non-polar, with alanine, which is neutral and non-polar, at codon 1727 of the COL11A2 protein (p.Val1727Ala). This variant is not present in population databases (gnomAD no frequency). This variant has not been reported in the literature in individuals affected with COL11A2-related conditions. Advanced modeling of protein sequence and biophysical properties (such as structural, functional, and spatial information, amino acid conservation, physicochemical variation, residue mobility, and thermodynamic stability) performed at Invitae indicates that this missense variant is not expected to disrupt COL11A2 protein function with a negative predictive value of 95%. In summary, the available evidence is currently insufficient to determine the role of this variant in disease. Therefore, it has been classified as a Variant of Uncertain Significance.

NM_080680.3(COL11A2):c.5180T>C (p.Val1727Ala)

Gene: COL11A2 (collagen type XI alpha 2 chain; minus strand). Cytogenetic location: 6p21.32.
Variant type: single nucleotide variant.
Coding change: c.5180T>C on transcript NM_080680.3 (MANE Select); coding-DNA position 5180, T replaced by C.
Protein change: p.Val1727Ala; replaces valine 1727 with alanine.
Molecular consequence: missense variant.
Genome position (GRCh38, 1-based): chr6:33,163,709, A>G on the plus strand (T>C on the coding strand, the complement: COL11A2 is on the minus strand). VCF-style: chr6-33163709-A-G. GRCh37 (hg19) VCF-style: chr6-33131486-A-G.
Other names: c.5000T>C, p.Val1667Ala (NM_001424108.1); c.4334T>C, p.Val1445Ala (NM_001424109.1); c.4154T>C, p.Val1385Ala (NM_001424110.1, NM_001424111.1); c.3134T>C, p.Val1045Ala (NM_001424112.1); c.4859T>C, p.Val1620Ala (NM_080679.3); c.4922T>C, p.Val1641Ala (NM_080681.3); short protein forms V1045A, V1445A, V1667A, V1727A, V1385A, V1620A, V1641A.
Identifiers: ClinVar variation 3635234 (VCV003635234.2).